The following is an entry in ClinVar:

NM_018180.3(DHX32):c.2192A>C (p.Glu731Ala)

Genes: BCCIP (BRCA2 and CDKN1A interacting protein; plus strand), DHX32 (DEAH-box helicase 32 (putative); minus strand). Cytogenetic location: 10q26.2.
Variant type: single nucleotide variant.
Coding change: c.2192A>C on transcript NM_018180.3 (MANE Select); coding-DNA position 2192, A replaced by C.
Protein change: p.Glu731Ala; replaces glutamic acid 731 with alanine.
Molecular consequence: missense variant. On other transcripts: intron variant (2).
Genome position (GRCh38, 1-based): chr10:125,836,727, T>G on the plus strand (A>C on the coding strand, the complement: DHX32 is on the minus strand). VCF-style: chr10-125836727-T-G. GRCh37 (hg19) VCF-style: chr10-127525296-T-G.
Other names: c.774+2781T>G (NM_016567.4, NM_078469.3); short protein forms E731A.
Identifiers: ClinVar variation 3717760 (VCV003717760.2).

ClinVar aggregate classification (germline): Uncertain significance (1 of 4 stars; one submission).

gnomAD v4.1: 3 of 1,614,106 alleles (0.00019%); highest among the groups gnomAD compares: African/African-American, 0.004%; no homozygotes.

Submission:

Labcorp Genetics (formerly Invitae), Labcorp
Classification: Uncertain significance. Last evaluated: 2024-12-05. Review status: criteria provided, single submitter. Criteria: Invitae Variant Classification Sherloc (09022015). Collection method: clinical testing. Allele origin: germline.
Comment: This sequence change replaces glutamic acid, which is acidic and polar, with alanine, which is neutral and non-polar, at codon 731 of the DHX32 protein (p.Glu731Ala). This variant is present in population databases (no rsID available, gnomAD 0.01%). This variant has not been reported in the literature in individuals affected with DHX32-related conditions. An algorithm developed to predict the effect of missense changes on protein structure and function (PolyPhen-2) suggests that this variant is likely to be tolerated. In summary, the available evidence is currently insufficient to determine the role of this variant in disease. Therefore, it has been classified as a Variant of Uncertain Significance.